The following is an entry in ClinVar:

NM_000171.4(GLRA1):c.184+4G>A

Gene: GLRA1 (glycine receptor alpha 1; minus strand). Cytogenetic location: 5q33.1.
Variant type: single nucleotide variant.
Coding change: c.184+4G>A on transcript NM_000171.4 (MANE Select); 4 bases into the intron after coding-DNA position 184, G replaced by A.
Molecular consequence: intron variant.
Genome position (GRCh38, 1-based): chr5:151,892,307, C>T on the plus strand (G>A on the coding strand, the complement: GLRA1 is on the minus strand). VCF-style: chr5-151892307-C-T. GRCh37 (hg19) VCF-style: chr5-151271868-C-T.
Other names: c.-65-5519G>A (NM_001292000.2); c.184+4G>A (NM_001146040.2, NM_000171.3).
Identifiers: ClinVar variation 2718538 (VCV002718538.5), dbSNP rs1178790150, ClinGen allele CA805728643.
Genomic context (GRCh38, chr5:151,892,307, plus strand): 5'-GCTGCTTGCTGCTTTAATCTGGGAAAGCATTTCCCTGTGGGTCTGGAAGGAATATTTTCT[C>T]TACCTTTAAAATTGGGCCTGATCCTGGCATCATATCCGGAGGTTCTCCCCATTAGCTTAT-3'

ClinVar aggregate classification (germline): Uncertain significance. Review status: criteria provided, single submitter (1 of 4 stars). 2 submissions from 2 submitters: Uncertain significance (1). 1 of the submissions does not count toward it. Last evaluated 2025-09-14.

Conditions:
GLRA1-related disorder. Also called: GLRA1-related condition.
Hereditary hyperekplexia. Identifiers: Orphanet 3197, MedGen C4084968, MONDO:0021022.

Allele frequency attached by ClinVar (database versions not stated): gnomAD exomes below 0.00001; TOPMed below 0.00001; gnomAD 0.00001.
gnomAD v4.1: 2 of 1,613,654 alleles (0.00012%); highest among the groups gnomAD compares: Non-Finnish European, 0.00017%; no homozygotes.

Submissions (2):

Labcorp Genetics (formerly Invitae), Labcorp
Classification: Uncertain significance for Hereditary hyperekplexia. Last evaluated: 2025-09-14. Review status: criteria provided, single submitter. Criteria: Invitae Variant Classification Sherloc (09022015). Collection method: clinical testing. Allele origin: germline.
Comment: This sequence change falls in intron 2 of the GLRA1 gene. It does not directly change the encoded amino acid sequence of the GLRA1 protein. It affects a nucleotide within the consensus splice site. This variant is not present in population databases (gnomAD no frequency). This variant has not been reported in the literature in individuals affected with GLRA1-related conditions. ClinVar contains an entry for this variant (Variation ID: 2718538). Variants that disrupt the consensus splice site are a relatively common cause of aberrant splicing (PMID: 17576681, 9536098). Algorithms developed to predict the effect of sequence changes on RNA splicing suggest that this variant is not likely to affect RNA splicing. In summary, the available evidence is currently insufficient to determine the role of this variant in disease. Therefore, it has been classified as a Variant of Uncertain Significance.

PreventionGenetics, part of Exact Sciences
Classification: Likely benign for GLRA1-related condition. Last evaluated: 2023-04-24. Review status: no assertion criteria provided. Collection method: clinical testing. Allele origin: germline. Not counted in ClinVar's aggregate classification.
Comment: This variant is classified as likely benign based on ACMG/AMP sequence variant interpretation guidelines (Richards et al. 2015 PMID: 25741868, with internal and published modifications).

Literature cited by the submitters: PubMed 17576681 (cited by Labcorp Genetics (formerly Invitae), Labcorp); PubMed 9536098 (cited by Labcorp Genetics (formerly Invitae), Labcorp).